The following is an entry in ClinVar:

NM_000218.3(KCNQ1):c.1393+28622C>T

Genes: KCNQ1 (potassium voltage-gated channel subfamily Q member 1; plus strand), KCNQ1OT1 (KCNQ1 opposite strand/antisense transcript 1; minus strand). Cytogenetic location: 11p15.5.
Variant type: single nucleotide variant.
Coding change: c.1393+28622C>T on transcript NM_000218.3 (MANE Select); 28622 bases into the intron after coding-DNA position 1393, C replaced by T.
Molecular consequence: intron variant.
Genome position (GRCh38, 1-based): chr11:2,617,476, C>T. VCF-style: chr11-2617476-C-T. GRCh37 (hg19) VCF-style: chr11-2638706-C-T.
Other names: c.1123+28622C>T (NM_001406837.1); c.1297+28622C>T (NM_001406836.1); c.853+28622C>T (NM_001406838.1); c.1012+28622C>T (NM_181798.2).
Identifiers: ClinVar variation 1694591 (VCV001694591.32), dbSNP rs140562266, ClinGen allele CA216360570.

ClinVar aggregate classification (germline): Benign/Likely benign. Review status: criteria provided, multiple submitters, no conflicts (2 of 4 stars). 2 submissions from 2 submitters: Benign (1); Likely benign (1). Last evaluated 2026-09-01.

Allele frequency attached by ClinVar (database versions not stated): 1000 Genomes Project 0.00619; 1000 Genomes Project 30x 0.00625; gnomAD 0.00797 and 0.00802; TOPMed 0.00835; gnomAD exomes 0.01077.
gnomAD v4.1: 3,909 of 398,330 alleles (0.98%); highest among the groups gnomAD compares: Middle Eastern, 2.9%; 27 homozygotes.

Submissions (2):

CeGaT Center for Human Genetics Tuebingen
Classification: Benign. Last evaluated: 2026-09-01. Review status: criteria provided, single submitter. Criteria: CeGaT Center For Human Genetics Tuebingen Variant Classification Criteria Version 2. Collection method: clinical testing. Allele origin: germline. Affected: yes. Observed: 93 variant alleles.
Comment: KCNQ1OT1: BS1, BS2; KCNQ1: BS1, BS2

Blueprint Genetics
Classification: Likely benign. Last evaluated: 2024-11-26. Review status: criteria provided, single submitter. Criteria: ACMG Guidelines, 2015. Collection method: clinical testing. Allele origin: germline.